The following is an entry in ClinVar:

ClinVar aggregate classification (germline): Uncertain significance (1 of 4 stars; one submission).

Submission:

Dasa
Classification: Uncertain significance. Last evaluated: 2025-02-10. Review status: criteria provided, single submitter. Criteria: DASA Assertion Criteria. Collection method: clinical testing. Allele origin: germline.
Comment: NM_001371279.1(REEP1):c.812T>C (p.Phe271Ser) is a missense variant that results in the substitution of phenylalanine with serine. This variant is absent from population databases. Computational prediction algorithms are consistent with a benign effect. The currently available literature and clinical evidence are not sufficient to establish a definitive association between this variant and the reported condition. Therefore, this variant is classified as a variant of uncertain significance.

NM_001371279.1(REEP1):c.812T>C (p.Phe271Ser)

Gene: REEP1 (receptor accessory protein 1; minus strand). Cytogenetic location: 2p11.2.
Variant type: single nucleotide variant.
Coding change: c.812T>C on transcript NM_001371279.1 (MANE Select); coding-DNA position 812, T replaced by C.
Protein change: p.Phe271Ser; replaces phenylalanine 271 with serine.
Molecular consequence: missense variant. On other transcripts: 3 prime UTR variant (4).
Genome position (GRCh38, 1-based): chr2:86,217,082, A>G on the plus strand (T>C on the coding strand, the complement: REEP1 is on the minus strand). VCF-style: chr2-86217082-A-G. GRCh37 (hg19) VCF-style: chr2-86444205-A-G.
Other names: c.*18T>C (NM_001164730.2, NM_001164731.2, NM_001410856.1 and 1 more transcripts); c.389T>C, p.Phe130Ser (NM_001164732.2); c.446T>C, p.Phe149Ser (NM_001371280.1); c.776T>C, p.Phe259Ser (NM_001410855.1); short protein forms F130S, F149S, F259S, F271S.
Identifiers: ClinVar variation 4885386 (VCV004885386.2).